The following is an entry in ClinVar:

NM_032043.3(BRIP1):c.1903C>A (p.Leu635Met)

Gene: BRIP1 (BRCA1 interacting DNA helicase 1; minus strand). Cytogenetic location: 17q23.2.
Variant type: single nucleotide variant.
Coding change: c.1903C>A on transcript NM_032043.3 (MANE Select); coding-DNA position 1903, C replaced by A.
Protein change: p.Leu635Met; replaces leucine 635 with methionine.
Molecular consequence: missense variant.
Genome position (GRCh38, 1-based): chr17:61,780,293, G>T on the plus strand (C>A on the coding strand, the complement: BRIP1 is on the minus strand). VCF-style: chr17-61780293-G-T. GRCh37 (hg19) VCF-style: chr17-59857654-G-T.
Other names: short protein forms L635M.
Identifiers: ClinVar variation 955299 (VCV000955299.11), dbSNP rs754280136, ClinGen allele CA400479277.

ClinVar aggregate classification (germline): Uncertain significance. Review status: criteria provided, multiple submitters, no conflicts (2 of 4 stars). 2 submissions from 2 submitters: Uncertain significance (2). Last evaluated 2024-02-24.

Conditions:
Familial cancer of breast. Also called: Hereditary breast cancer; hereditary breast carcinoma; BREAST CANCER, FAMILIAL. Identifiers: Orphanet 227535, MedGen C0346153, MONDO:0016419, OMIM 114480. Disease mechanism: loss of function.
Fanconi anemia complementation group J. Also called: BRIP1-Related Fanconi Anemia. Identifiers: Orphanet 84, MedGen C1836860, MONDO:0012187, OMIM 609054.
Hereditary cancer-predisposing syndrome. Also called: Hereditary neoplastic syndrome; Tumor predisposition; Neoplastic Syndromes, Hereditary; Hereditary Cancer Syndrome. Identifiers: Orphanet 140162, MedGen C0027672, MeSH D009386, MONDO:0015356.

Allele frequency attached by ClinVar (database versions not stated): TOPMed below 0.00001; gnomAD 0.00001.
gnomAD v4.1: 2 of 1,613,192 alleles (0.00012%); no homozygotes.

Submissions (2):

Ambry Genetics
Classification: Uncertain significance for Hereditary cancer-predisposing syndrome. Last evaluated: 2024-02-24. Review status: criteria provided, single submitter. Criteria: Ambry Variant Classification Scheme 2023. Collection method: clinical testing. Allele origin: germline.
Comment: The p.L635M variant (also known as c.1903C>A), located in coding exon 12 of the BRIP1 gene, results from a C to A substitution at nucleotide position 1903. The leucine at codon 635 is replaced by methionine, an amino acid with highly similar properties. This amino acid position is conserved. In addition, this alteration is predicted to be tolerated by in silico analysis. Based on the available evidence, the clinical significance of this alteration remains unclear.

Labcorp Genetics (formerly Invitae), Labcorp
Classification: Uncertain significance for Familial cancer of breast; Fanconi anemia complementation group J. Last evaluated: 2023-05-02. Review status: criteria provided, single submitter. Criteria: Invitae Variant Classification Sherloc (09022015). Collection method: clinical testing. Allele origin: germline.
Comment: ClinVar contains an entry for this variant (Variation ID: 955299). In summary, the available evidence is currently insufficient to determine the role of this variant in disease. Therefore, it has been classified as a Variant of Uncertain Significance. Advanced modeling of protein sequence and biophysical properties (such as structural, functional, and spatial information, amino acid conservation, physicochemical variation, residue mobility, and thermodynamic stability) has been performed at Invitae for this missense variant, however the output from this modeling did not meet the statistical confidence thresholds required to predict the impact of this variant on BRIP1 protein function. This variant has not been reported in the literature in individuals affected with BRIP1-related conditions. This variant is not present in population databases (gnomAD no frequency). This sequence change replaces leucine, which is neutral and non-polar, with methionine, which is neutral and non-polar, at codon 635 of the BRIP1 protein (p.Leu635Met).